The following is an entry in ClinVar:

NM_014244.5(ADAMTS2):c.169A>G (p.Ile57Val)

Gene: ADAMTS2 (ADAM metallopeptidase with thrombospondin type 1 motif 2; minus strand). Cytogenetic location: 5q35.3.
Variant type: single nucleotide variant.
Coding change: c.169A>G on transcript NM_014244.5 (MANE Select); coding-DNA position 169, A replaced by G.
Protein change: p.Ile57Val; replaces isoleucine 57 with valine.
Molecular consequence: missense variant.
Genome position (GRCh38, 1-based): chr5:179,344,132, T>C on the plus strand (A>G on the coding strand, the complement: ADAMTS2 is on the minus strand). VCF-style: chr5-179344132-T-C. GRCh37 (hg19) VCF-style: chr5-178771133-T-C.
Other names: c.169A>G, p.Ile57Val (NM_021599.4); short protein forms I57V.
Identifiers: ClinVar variation 658855 (VCV000658855.8), dbSNP rs768252348, ClinGen allele CA3596373.

ClinVar aggregate classification (germline): Uncertain significance. Review status: criteria provided, multiple submitters, no conflicts (2 of 4 stars). 3 submissions from 3 submitters: Uncertain significance (2). 1 of the submissions does not count toward it. Last evaluated 2023-05-05.

Conditions:
Ehlers-Danlos syndrome, dermatosparaxis type. Also called: Dermatosparaxis; EDS VIIC; Ehlers-Danlos syndrome, type VII, autosomal recessive. Identifiers: Orphanet 1901, MedGen C2700425, MONDO:0009161, OMIM 225410.
Inborn genetic diseases. Identifiers: MedGen C0950123, MeSH D030342.

Allele frequency attached by ClinVar (database versions not stated): gnomAD exomes 0.00002; gnomAD 0.00003 and 0.00004; ExAC 0.00004; TOPMed 0.00007.
gnomAD v4.1: 12 of 1,604,842 alleles (0.00075%); highest among the groups gnomAD compares: African/African-American, 0.012%; no homozygotes.

Submissions (3):

Ambry Genetics
Classification: Uncertain significance for Inborn genetic diseases. Last evaluated: 2023-05-05. Review status: criteria provided, single submitter. Criteria: Ambry Variant Classification Scheme 2023. Collection method: clinical testing. Allele origin: germline.

Labcorp Genetics (formerly Invitae), Labcorp
Classification: Uncertain significance for Ehlers-Danlos syndrome, dermatosparaxis type. Last evaluated: 2021-09-01. Review status: criteria provided, single submitter. Criteria: Invitae Variant Classification Sherloc (09022015). Collection method: clinical testing. Allele origin: germline.
Comment: This sequence change replaces isoleucine with valine at codon 57 of the ADAMTS2 protein (p.Ile57Val). The isoleucine residue is highly conserved and there is a small physicochemical difference between isoleucine and valine. This variant is present in population databases (rs768252348, ExAC 0.04%). This variant has not been reported in the literature in individuals affected with ADAMTS2-related conditions. Algorithms developed to predict the effect of missense changes on protein structure and function output the following: SIFT: "Tolerated"; PolyPhen-2: "Benign"; Align-GVGD: "Class C0". The valine amino acid residue is found in multiple mammalian species, which suggests that this missense change does not adversely affect protein function. In summary, the available evidence is currently insufficient to determine the role of this variant in disease. Therefore, it has been classified as a Variant of Uncertain Significance.

Natera, Inc.
Classification: Uncertain significance for Ehlers-Danlos syndrome type VIIC. Last evaluated: 2020-04-20. Review status: no assertion criteria provided. Collection method: clinical testing. Allele origin: germline. Not counted in ClinVar's aggregate classification.